The following is an entry in ClinVar:

ClinVar aggregate classification (germline): Likely pathogenic (1 of 4 stars; one submission).

Conditions:
COL2A1-related disorder. Also called: COL2A1-related condition; COL2A1-related disorders.

Allele frequency attached by ClinVar (database versions not stated): TOPMed below 0.00001; gnomAD 0.00001.

Submission:

PreventionGenetics, part of Exact Sciences
Classification: Likely pathogenic for COL2A1-related condition. Last evaluated: 2023-06-05. Review status: criteria provided, single submitter. Criteria: ACMG Guidelines, 2015. Collection method: clinical testing. Allele origin: germline.
Comment: The COL2A1 c.2409+1G>A variant is predicted to disrupt the GT donor site and interfere with normal splicing. To our knowledge, this variant has not been reported in the literature or in a large population database, indicating this variant is rare. Variants that disrupt the consensus splice donor site in COL2A1 are expected to be pathogenic. Of note, an alternative nucleotide change at the c.2409+1 position (c.2409+1G>T) has been documented in a patient with COL2A1-related skeletal dysplasia (Patient 100 in Supplementary Table 1 in Terhal et al. 2012. PubMed ID: 22791362). Based on this evidence, the c.2409+1G>A variant is interpreted as likely pathogenic.

NM_001844.5(COL2A1):c.2409+1G>A

Gene: COL2A1 (collagen type II alpha 1 chain; minus strand). Cytogenetic location: 12q13.11.
Variant type: single nucleotide variant.
Coding change: c.2409+1G>A on transcript NM_001844.5 (MANE Select); the canonical splice donor site of the intron after coding-DNA position 2409, G replaced by A.
Molecular consequence: splice donor variant.
Genome position (GRCh38, 1-based): chr12:47,981,775, C>T on the plus strand (G>A on the coding strand, the complement: COL2A1 is on the minus strand). VCF-style: chr12-47981775-C-T. GRCh37 (hg19) VCF-style: chr12-48375558-C-T.
Other names: c.2202+1G>A (NM_033150.3).
Identifiers: ClinVar variation 2632366 (VCV002632366.1), dbSNP rs747935160, ClinGen allele CA6535114.